The following is an entry in ClinVar:

NM_080605.4(B3GALT6):c.68G>A (p.Gly23Glu)

Gene: B3GALT6 (beta-1,3-galactosyltransferase 6; plus strand). Cytogenetic location: 1p36.33.
Variant type: single nucleotide variant.
Coding change: c.68G>A on transcript NM_080605.4 (MANE Select); coding-DNA position 68, G replaced by A.
Protein change: p.Gly23Glu; replaces glycine 23 with glutamic acid.
Molecular consequence: missense variant.
Genome position (GRCh38, 1-based): chr1:1,232,346, G>A. VCF-style: chr1-1232346-G-A. GRCh37 (hg19) VCF-style: chr1-1167726-G-A.
Other names: short protein forms G23E.
Identifiers: ClinVar variation 4853441 (VCV004853441.1).

ClinVar aggregate classification (germline): Uncertain significance (1 of 4 stars; one submission).

Submission:

Women's Health and Genetics/Laboratory Corporation of America, LabCorp
Classification: Uncertain significance. Last evaluated: 2026-05-27. Review status: criteria provided, single submitter. Criteria: LabCorp Variant Classification Summary - May 2015. Collection method: clinical testing. Allele origin: germline.
Comment: Variant summary: B3GALT6 c.68G>A (p.Gly23Glu) results in a non-conservative amino acid change in the encoded protein sequence. Algorithms developed to predict the effect of missense changes on protein structure and function are either unavailable or do not agree on the potential impact of this missense change. The frequency data for this variant in gnomAD is considered unreliable, as metrics indicate poor data quality at this position. To our knowledge, no occurrence of c.68G>A in individuals affected with B3GALT6-related conditions and no experimental evidence demonstrating its impact on protein function have been reported. No submitters have cited clinical-significance assessments for this variant to ClinVar. Based on the evidence outlined above, the variant was classified as uncertain significance.